The following is an entry in ClinVar:

ClinVar aggregate classification (germline): Uncertain significance. Review status: criteria provided, multiple submitters, no conflicts (2 of 4 stars). 10 submissions from 10 submitters: Uncertain significance (7). 3 of the submissions do not count toward it. Last evaluated 2026-04-27.

Conditions:
Inborn genetic diseases. Identifiers: MedGen C0950123, MeSH D030342.
CEP290-related disorder. Also called: CEP290-related condition; CEP290-related disorders. Identifiers: MedGen CN239314.
Joubert syndrome. Also called: Familial aplasia of the vermis; JOUBERT-BOLTSHAUSER SYNDROME. Identifiers: Orphanet 475, MedGen C5979921, MONDO:0018772.
Meckel-Gruber syndrome. Also called: GRUBER SYNDROME; Dysencephalia splachnocystica; DYSENCEPHALIA SPLANCHNOCYSTICA. Identifiers: Orphanet 564, MedGen C0265215, MONDO:0018921.
Nephronophthisis. Also called: Juvenile Nephronophthisis. Identifiers: Orphanet 655, MedGen C0687120, MONDO:0019005, HP:0000090.
Leber congenital amaurosis 10 (LCA10). Identifiers: Orphanet 65, MedGen C1857821, MONDO:0012723, OMIM 611755.
Meckel syndrome, type 4 (MKS4). Also called: MECKEL-GRUBER SYNDROME, TYPE 4. Identifiers: Orphanet 564, MedGen C1970161, MONDO:0012626, OMIM 611134.
Senior-Loken syndrome 6 (SLSN6). Identifiers: Orphanet 3156, MedGen C1857779, MONDO:0012433, OMIM 610189.
Bardet-Biedl syndrome 14 (BBS14). Identifiers: Orphanet 110, MedGen C2673874, MONDO:0014442, OMIM 615991.
Joubert syndrome 5 (JBTS5). Identifiers: Orphanet 2318, MedGen C1857780, MONDO:0012432, OMIM 610188.
Leber congenital amaurosis (LCA). Also called: Leber's amaurosis. Identifiers: Orphanet 65, MedGen C0339527, MeSH D057130, MONDO:0018998.

Allele frequency attached by ClinVar (database versions not stated): ExAC 0.00011; ESP Exome Variant Server 0.00017; gnomAD 0.00019; TOPMed 0.00019.
gnomAD v4.1: 56 of 1,451,390 alleles (0.0039%); highest among the groups gnomAD compares: African/African-American, 0.046%; 1 homozygote.

Submissions (10):

PreventionGenetics, part of Exact Sciences
Classification: Uncertain significance for CEP290-related condition. Last evaluated: 2026-04-27. Review status: criteria provided, single submitter. Criteria: ACMG Guidelines, 2015. Collection method: clinical testing. Allele origin: germline.
Comment: The CEP290 c.2446C>T variant is predicted to result in the amino acid substitution p.Arg816Cys. This variant has been reported as a variant of uncertain significance in an individual with Leber congenital amaurosis along with two other CEP290 variants, the phases of which were not established (Tables 1 and 2, Sallum et al. 2020. PubMed ID: 32865313). This variant is reported in 0.044% of alleles in individuals of African descent in gnomAD. At this time, the clinical significance of this variant is uncertain due to the absence of conclusive functional and genetic evidence.

Labcorp Genetics (formerly Invitae), Labcorp
Classification: Uncertain significance for Joubert syndrome; Meckel-Gruber syndrome; Nephronophthisis. Last evaluated: 2026-01-02. Review status: criteria provided, single submitter. Criteria: Invitae Variant Classification Sherloc (09022015). Collection method: clinical testing. Allele origin: germline.
Comment: This sequence change replaces arginine, which is basic and polar, with cysteine, which is neutral and slightly polar, at codon 816 of the CEP290 protein (p.Arg816Cys). The frequency data for this variant in the population databases is considered unreliable, as metrics indicate poor data quality at this position in the gnomAD database. This missense change has been observed in individual(s) with clinical features of Leber congenital amaurosis (PMID: 32865313). ClinVar contains an entry for this variant (Variation ID: 210693). Invitae Evidence Modeling of protein sequence and biophysical properties (such as structural, functional, and spatial information, amino acid conservation, physicochemical variation, residue mobility, and thermodynamic stability) indicates that this missense variant is expected to disrupt CEP290 protein function with a positive predictive value of 80%. Algorithms developed to predict the effect of sequence changes on RNA splicing suggest that this variant may disrupt the consensus splice site. In summary, the available evidence is currently insufficient to determine the role of this variant in disease. Therefore, it has been classified as a Variant of Uncertain Significance.

GeneDx
Classification: Uncertain significance. Last evaluated: 2025-04-25. Review status: criteria provided, single submitter. Criteria: GeneDx Variant Classification Process June 2021. Collection method: clinical testing. Allele origin: germline. Affected: yes.
Comment: Reported in an individual with either syndromic or non-syndromic Leber congenital amaurosis who harbored two other variants in the CEP290 gene; phases unknown (PMID: 32865313); In silico analysis supports that this missense variant has a deleterious effect on protein structure/function; This variant is associated with the following publications: (PMID: 32865313, 35764379)

Blueprint Genetics
Classification: Uncertain significance. Last evaluated: 2024-09-04. Review status: criteria provided, single submitter. Criteria: ACMG Guidelines, 2015. Collection method: clinical testing. Allele origin: germline.

Fulgent Genetics
Classification: Uncertain significance for Joubert syndrome 5; Senior-Loken syndrome 6; Meckel syndrome, type 4; Leber congenital amaurosis 10; Bardet-Biedl syndrome 14. Last evaluated: 2024-06-12. Review status: criteria provided, single submitter. Criteria: ACMG Guidelines, 2015. Collection method: clinical testing. Allele origin: germline.

Ambry Genetics
Classification: Uncertain significance for Inborn genetic diseases. Last evaluated: 2022-05-11. Review status: criteria provided, single submitter. Criteria: Ambry Variant Classification Scheme 2023. Collection method: clinical testing. Allele origin: germline.

Genetic Services Laboratory, University of Chicago
Classification: Uncertain significance. Last evaluated: 2015-04-14. Review status: criteria provided, single submitter. Criteria: ACMG Guidelines, 2015. Collection method: clinical testing. Allele origin: germline.

Natera, Inc.
Classification: Uncertain significance for Leber congenital amaurosis. Last evaluated: 2020-09-16. Review status: no assertion criteria provided. Collection method: clinical testing. Allele origin: germline. Not counted in ClinVar's aggregate classification.

Clinical Genetics DNA and cytogenetics Diagnostics Lab, Erasmus MC, Erasmus Medical Center
Classification: Uncertain significance. Review status: no assertion criteria provided. Collection method: clinical testing. Allele origin: germline. Affected: yes. Study: VKGL Data-share Consensus. Not counted in ClinVar's aggregate classification.

Joint Genome Diagnostic Labs from Nijmegen and Maastricht, Radboudumc and MUMC+
Classification: Uncertain significance. Review status: no assertion criteria provided. Collection method: clinical testing. Allele origin: germline. Affected: yes. Study: VKGL Data-share Consensus. Not counted in ClinVar's aggregate classification.

Literature cited by the submitters: PubMed 32865313 (cited by Labcorp Genetics (formerly Invitae), Labcorp and Ambry Genetics).

NM_025114.4(CEP290):c.2446C>T (p.Arg816Cys)

Gene: CEP290 (centrosomal protein 290; minus strand). Cytogenetic location: 12q21.32.
Variant type: single nucleotide variant.
Coding change: c.2446C>T on transcript NM_025114.4 (MANE Select); coding-DNA position 2446, C replaced by T.
Protein change: p.Arg816Cys; replaces arginine 816 with cysteine.
Molecular consequence: missense variant.
Genome position (GRCh38, 1-based): chr12:88,109,103, G>A on the plus strand (C>T on the coding strand, the complement: CEP290 is on the minus strand). VCF-style: chr12-88109103-G-A. GRCh37 (hg19) VCF-style: chr12-88502880-G-A.
Other names: short protein forms R816C.
Identifiers: ClinVar variation 210693 (VCV000210693.28), dbSNP rs374656545, ClinGen allele CA208288.